The following is an entry in ClinVar:

NM_001005498.4(RHBDF2):c.614G>A (p.Arg205His)

Gene: RHBDF2 (rhomboid 5 homolog 2; minus strand). Cytogenetic location: 17q25.1.
Variant type: single nucleotide variant.
Coding change: c.614G>A on transcript NM_001005498.4 (MANE Select); coding-DNA position 614, G replaced by A.
Protein change: p.Arg205His; replaces arginine 205 with histidine.
Molecular consequence: missense variant. On other transcripts: non-coding transcript variant (3).
Genome position (GRCh38, 1-based): chr17:76,478,864, C>T on the plus strand (G>A on the coding strand, the complement: RHBDF2 is on the minus strand). VCF-style: chr17-76478864-C-T. GRCh37 (hg19) VCF-style: chr17-74474946-C-T.
Other names: c.614G>A, p.Arg205His (NM_001376228.1, NM_001376229.1, NM_001376230.1); c.701G>A, p.Arg234His (NM_024599.5); short protein forms R234H, R205H.
Identifiers: ClinVar variation 3433087 (VCV003433087.2).

ClinVar aggregate classification (germline): Uncertain significance. Review status: criteria provided, multiple submitters, no conflicts (2 of 4 stars). 2 submissions from 2 submitters: Uncertain significance (2). Last evaluated 2025-07-13.

Conditions:
Inborn genetic diseases. Identifiers: MedGen C0950123, MeSH D030342.

gnomAD v4.1: 54 of 1,613,402 alleles (0.0033%); highest among the groups gnomAD compares: African/African-American, 0.004%; no homozygotes.

Submissions (2):

Labcorp Genetics (formerly Invitae), Labcorp
Classification: Uncertain significance. Last evaluated: 2025-07-13. Review status: criteria provided, single submitter. Criteria: Invitae Variant Classification Sherloc (09022015). Collection method: clinical testing. Allele origin: germline.
Comment: This sequence change replaces arginine, which is basic and polar, with histidine, which is basic and polar, at codon 234 of the RHBDF2 protein (p.Arg234His). This variant is present in population databases (rs368715327, gnomAD 0.02%). This variant has not been reported in the literature in individuals affected with RHBDF2-related conditions. ClinVar contains an entry for this variant (Variation ID: 3433087). An algorithm developed to predict the effect of missense changes on protein structure and function outputs the following: PolyPhen-2: "Benign". The histidine amino acid residue is found in multiple mammalian species, which suggests that this missense change does not adversely affect protein function. In summary, the available evidence is currently insufficient to determine the role of this variant in disease. Therefore, it has been classified as a Variant of Uncertain Significance.

Ambry Genetics
Classification: Uncertain significance for Inborn genetic diseases. Last evaluated: 2024-07-30. Review status: criteria provided, single submitter. Criteria: Ambry Variant Classification Scheme 2023. Collection method: clinical testing. Allele origin: germline.